The following is an entry in ClinVar:

ClinVar aggregate classification (germline): Likely benign. Review status: criteria provided, multiple submitters, no conflicts (2 of 4 stars). 7 submissions from 7 submitters: Likely benign (7). Last evaluated 2025-12-01.

Allele frequency attached by ClinVar (database versions not stated): ExAC 0.00004; gnomAD exomes 0.00005 and 0.00019; gnomAD 0.00016; TOPMed 0.00029.
gnomAD v4.1: 153 of 1,613,214 alleles (0.0095%); highest among the groups gnomAD compares: Admixed American, 0.14%; no homozygotes.

Submissions (7):

CeGaT Center for Human Genetics Tuebingen
Classification: Likely benign. Last evaluated: 2025-12-01. Review status: criteria provided, single submitter. Criteria: CeGaT Center For Human Genetics Tuebingen Variant Classification Criteria Version 2. Collection method: clinical testing. Allele origin: germline. Affected: yes. Observed: 1 variant allele.
Comment: GJB2: BP4, BP7

Labcorp Genetics (formerly Invitae), Labcorp
Classification: Likely benign. Last evaluated: 2025-08-01. Review status: criteria provided, single submitter. Criteria: Invitae Variant Classification Sherloc (09022015). Collection method: clinical testing. Allele origin: germline.

Blueprint Genetics
Classification: Likely benign. Last evaluated: 2024-10-08. Review status: criteria provided, single submitter. Criteria: ACMG Guidelines, 2015. Collection method: clinical testing. Allele origin: germline.

Women's Health and Genetics/Laboratory Corporation of America, LabCorp
Classification: Likely benign. Last evaluated: 2022-02-18. Review status: criteria provided, single submitter. Criteria: LabCorp Variant Classification Summary - May 2015. Collection method: clinical testing. Allele origin: germline.

ARUP Laboratories, Molecular Genetics and Genomics, ARUP Laboratories
Classification: Likely benign. Last evaluated: 2021-03-26. Review status: criteria provided, single submitter. Criteria: ARUP Molecular Germline Variant Investigation Process 2021. Collection method: clinical testing. Allele origin: germline.

Laboratory for Molecular Medicine, Mass General Brigham Personalized Medicine
Classification: Likely benign. Last evaluated: 2016-06-21. Review status: criteria provided, single submitter. Criteria: LMM Criteria. Collection method: clinical testing. Allele origin: germline. Observed: 3 variant alleles.
Comment: p.Asn62Asn in exon 2 of GJB2: This variant is not expected to have clinical sign ificance because it does not alter an amino acid residue, it is not located with in the splice consensus sequence. It has been identified in 4/66700 European ch romosomes by the Exome Aggregation Consortium (ExAC. org; dbSNP rs397516869).

Breakthrough Genomics
Classification: Likely benign. Review status: criteria provided, single submitter. Criteria: ACMG Guidelines, 2015. Collection method: not provided. Allele origin: germline. Inheritance: Autosomal recessive inheritance. Affected: yes.

Literature cited by the submitters: PubMed 19043807 (cited by Laboratory for Molecular Medicine, Mass General Brigham Personalized Medicine); PubMed 24612839 (cited by Laboratory for Molecular Medicine, Mass General Brigham Personalized Medicine); PubMed 24645897 (cited by Laboratory for Molecular Medicine, Mass General Brigham Personalized Medicine); PubMed 14722929 (cited by Laboratory for Molecular Medicine, Mass General Brigham Personalized Medicine).

NM_004004.6(GJB2):c.186C>T (p.Asn62=)

Gene: GJB2 (gap junction protein beta 2; minus strand). Cytogenetic location: 13q12.11.
Variant type: single nucleotide variant.
Coding change: c.186C>T on transcript NM_004004.6 (MANE Select); coding-DNA position 186, C replaced by T.
Protein change: p.Asn62=; no amino-acid change (asparagine 62 retained).
Molecular consequence: synonymous variant.
Genome position (GRCh38, 1-based): chr13:20,189,396, G>A on the plus strand (C>T on the coding strand, the complement: GJB2 is on the minus strand). VCF-style: chr13-20189396-G-A. GRCh37 (hg19) VCF-style: chr13-20763535-G-A.
Identifiers: ClinVar variation 44726 (VCV000044726.30), dbSNP rs397516869, ClinGen allele CA134949.